The following is an entry in ClinVar:

NM_001005361.3(DNM2):c.2173A>C (p.Met725Leu)

Gene: DNM2 (dynamin 2; plus strand). Cytogenetic location: 19p13.2.
Variant type: single nucleotide variant.
Coding change: c.2173A>C on transcript NM_001005361.3 (MANE Select); coding-DNA position 2173, A replaced by C.
Protein change: p.Met725Leu; replaces methionine 725 with leucine.
Molecular consequence: missense variant.
Genome position (GRCh38, 1-based): chr19:10,829,150, A>C. VCF-style: chr19-10829150-A-C. GRCh37 (hg19) VCF-style: chr19-10939826-A-C.
Other names: c.2173A>C, p.Met725Leu (NM_001005360.3, NM_001190716.2); c.2161A>C, p.Met721Leu (NM_001005362.3, NM_004945.4); short protein forms M725L, M721L.
Identifiers: ClinVar variation 3637320 (VCV003637320.2).
Genomic context (GRCh38, chr19:10,829,150, plus strand): 5'-CAGAGCAGCCTCATGGAGGAGTCGGCTGACCAGGCACAGCGGCGGGACGACATGCTGCGC[A>C]TGTACCATGCCCTCAAGGAGGCGCTCAACATCATCGGTGACATCAGCACCAGCACTGTGT-3'
Protein context (NP_001005361.1, residues 715-735): QAQRRDDMLR[Met725Leu]YHALKEALNI

ClinVar aggregate classification (germline): Uncertain significance (1 of 4 stars; one submission).

Conditions:
Charcot-Marie-Tooth disease dominant intermediate B (CMTDIB). Also called: CHARCOT-MARIE-TOOTH NEUROPATHY, DOMINANT INTERMEDIATE B; Charcot-Marie-Tooth disease dominant intermediate 1; CMT DI1; Charcot-Marie-Tooth disease dominant intermediate I. Identifiers: Orphanet 100044, Orphanet 228179, MedGen C1847902, MONDO:0011674, OMIM 606482.

Submission:

Labcorp Genetics (formerly Invitae), Labcorp
Classification: Uncertain significance for Charcot-Marie-Tooth disease dominant intermediate B. Last evaluated: 2024-03-27. Review status: criteria provided, single submitter. Criteria: Invitae Variant Classification Sherloc (09022015). Collection method: clinical testing. Allele origin: germline.
Comment: This sequence change replaces methionine, which is neutral and non-polar, with leucine, which is neutral and non-polar, at codon 725 of the DNM2 protein (p.Met725Leu). This variant is not present in population databases (gnomAD no frequency). This variant has not been reported in the literature in individuals affected with DNM2-related conditions. Advanced modeling of protein sequence and biophysical properties (such as structural, functional, and spatial information, amino acid conservation, physicochemical variation, residue mobility, and thermodynamic stability) has been performed at Invitae for this missense variant, however the output from this modeling did not meet the statistical confidence thresholds required to predict the impact of this variant on DNM2 protein function. In summary, the available evidence is currently insufficient to determine the role of this variant in disease. Therefore, it has been classified as a Variant of Uncertain Significance.